The following is an entry in ClinVar:

ClinVar aggregate classification (germline): Uncertain significance (1 of 4 stars; one submission).

Submission:

Labcorp Genetics (formerly Invitae), Labcorp
Classification: Uncertain significance. Last evaluated: 2025-01-01. Review status: criteria provided, single submitter. Criteria: Invitae Variant Classification Sherloc (09022015). Collection method: clinical testing. Allele origin: germline.
Comment: This sequence change replaces glutamine, which is neutral and polar, with leucine, which is neutral and non-polar, at codon 241 of the SEMA4A protein (p.Gln241Leu). This variant is not present in population databases (gnomAD no frequency). This variant has not been reported in the literature in individuals affected with SEMA4A-related conditions. Invitae Evidence Modeling of protein sequence and biophysical properties (such as structural, functional, and spatial information, amino acid conservation, physicochemical variation, residue mobility, and thermodynamic stability) indicates that this missense variant is not expected to disrupt SEMA4A protein function with a negative predictive value of 80%. In summary, the available evidence is currently insufficient to determine the role of this variant in disease. Therefore, it has been classified as a Variant of Uncertain Significance.

NM_022367.4(SEMA4A):c.722A>T (p.Gln241Leu)

Gene: SEMA4A (semaphorin 4A; plus strand). Cytogenetic location: 1q22.
Variant type: single nucleotide variant.
Coding change: c.722A>T on transcript NM_022367.4 (MANE Select); coding-DNA position 722, A replaced by T.
Protein change: p.Gln241Leu; replaces glutamine 241 with leucine.
Molecular consequence: missense variant.
Genome position (GRCh38, 1-based): chr1:156,160,941, A>T. VCF-style: chr1-156160941-A-T. GRCh37 (hg19) VCF-style: chr1-156130732-A-T.
Other names: c.215A>T, p.Gln72Leu (NM_001370571.1, NM_001370569.1); c.722A>T, p.Gln241Leu (NM_001193300.2, NM_001193301.2, NM_001370567.1); c.326A>T, p.Gln109Leu (NM_001193302.2); c.425A>T, p.Gln142Leu (NM_001370568.1); short protein forms Q142L, Q109L, Q241L, Q72L.
Identifiers: ClinVar variation 3719666 (VCV003719666.2).